The following is an entry in ClinVar:

NM_004764.5(PIWIL1):c.1867-7A>G

Gene: PIWIL1 (piwi like RNA-mediated gene silencing 1; plus strand). Cytogenetic location: 12q24.33.
Variant type: single nucleotide variant.
Coding change: c.1867-7A>G on transcript NM_004764.5 (MANE Select); 7 bases into the intron before coding-DNA position 1867, A replaced by G.
Molecular consequence: intron variant.
Genome position (GRCh38, 1-based): chr12:130,361,491, A>G. VCF-style: chr12-130361491-A-G. GRCh37 (hg19) VCF-style: chr12-130846036-A-G.
Other names: c.1867-7A>G (NM_001190971.2).
Identifiers: ClinVar variation 3043022 (VCV003043022.2), dbSNP rs577066116, ClinGen allele CA6877366.

ClinVar aggregate classification (germline): Likely benign (0 of 4 stars; one submission).

Conditions:
PIWIL1-related disorder. Also called: PIWIL1-related condition.

Allele frequency attached by ClinVar (database versions not stated): gnomAD 0.00006; gnomAD exomes 0.00010; ExAC 0.00026; 1000 Genomes Project 30x 0.00031; 1000 Genomes Project 0.00040; TOPMed below 0.00001.
gnomAD v4.1: 163 of 1,613,952 alleles (0.01%); highest among the groups gnomAD compares: South Asian, 0.16%; 2 homozygotes.

Submission:

PreventionGenetics, part of Exact Sciences
Classification: Likely benign for PIWIL1-related condition. Last evaluated: 2019-07-02. Review status: no assertion criteria provided. Collection method: clinical testing. Allele origin: germline.
Comment: This variant is classified as likely benign based on ACMG/AMP sequence variant interpretation guidelines (Richards et al. 2015 PMID: 25741868, with internal and published modifications).